The following is an entry in ClinVar:

ClinVar aggregate classification (germline): Pathogenic (1 of 4 stars; one submission).

Allele frequency attached by ClinVar (database versions not stated): gnomAD 0.00001.

Submission:

Labcorp Genetics (formerly Invitae), Labcorp
Classification: Pathogenic. Last evaluated: 2022-07-06. Review status: criteria provided, single submitter. Criteria: Invitae Variant Classification Sherloc (09022015). Collection method: clinical testing. Allele origin: germline.
Comment: This variant has not been reported in the literature in individuals affected with RP1-related conditions. ClinVar contains an entry for this variant (Variation ID: 1071082). For these reasons, this variant has been classified as Pathogenic. This variant is not present in population databases (gnomAD no frequency). This sequence change creates a premature translational stop signal (p.Glu96Glyfs*39) in the RP1 gene. It is expected to result in an absent or disrupted protein product. Loss-of-function variants in RP1 are known to be pathogenic (PMID: 11960024, 19933189).

Literature cited by the submitters: PubMed 11960024; PubMed 19933189.

NM_006269.2(RP1):c.284dup (p.Glu96fs)

Gene: RP1 (RP1 axonemal microtubule associated; plus strand). Cytogenetic location: 8q12.1.
Variant type: Duplication.
Coding change: c.284dup on transcript NM_006269.2 (MANE Select); coding-DNA position 284, one base duplicated (T; older notation c.284dupT).
Protein change: p.Glu96fs; shifts the reading frame from glutamic acid 96.
Molecular consequence: frameshift variant.
Genome position (GRCh38, 1-based): chr8:54,621,250, T duplicated. VCF-style (leftmost placement, unchanged base first): chr8-54621249-C-CT. GRCh37 (hg19) VCF-style: chr8-55533809-C-CT.
Other names: c.284dup, p.Glu96fs (NM_001375654.1); short protein forms E96fs.
Identifiers: ClinVar variation 1071082 (VCV001071082.8), dbSNP rs1805856024, ClinGen allele CA1114021505.
Genomic context (GRCh38, chr8:54,621,249, plus strand): 5'-CCCCTCCCTTTTGGAGTGAGGAACATCAGCACCCCTCGGGGCAGGCACAGCATCACGCGC[C>CT]TGGAGGAGCTGGAGGACGGCGAGTCCTACCTATGTTCCCACGGCAGGAAGGTGCAGCCTG-3'